The following is an entry in ClinVar:

ClinVar aggregate classification (germline): Likely pathogenic (1 of 4 stars; one submission).

Conditions:
Alport syndrome. Also called: Hemorrhagic familial nephritis; Hemorrhagic hereditary nephritis; Congenital hereditary hematuria. Identifiers: Orphanet 63, MedGen C1567741, MONDO:0018965.

Submission:

Victorian Clinical Genetics Services, Murdoch Childrens Research Institute
Classification: Likely pathogenic for Alport syndrome. Last evaluated: 2025-06-12. Review status: criteria provided, single submitter. Criteria: ACMG Guidelines, 2015. Collection method: clinical testing. Allele origin: germline. Affected: yes.
Comment: This variant is classified as Likely pathogenic. Evidence in support of pathogenic classification: In-frame insertion/deletion in a non-repetitive region that has high conservation; Variant is absent from gnomAD (v2, v3 and v4); Variant is located in the well-established functional Gly-X-Y motif in the collagen triple helical domain, however is adjacent to an interruption in the helix (DECIPHER). Additional information: This variant is heterozygous; This gene is associated with both recessive and dominant Alport syndrome (MONDO:0018965), COL4A3-related; This variant has no previous evidence of pathogenicity; No published segregation evidence has been identified for this variant; No published functional evidence has been identified for this variant; No comparable in-frame deletion variants have previous evidence for pathogenicity; Dominant negative and loss of function are known mechanisms of disease in this gene and are associated with Alport syndrome (MONDO:0018965), COL4A3-related. Glycine changes that are part of a G-X-Y repeat in the triple helix of a collagen domain are known to have a dominant negative effect (PMID: 12028435); Inheritance information for this variant is not currently available in this individual.

Literature cited by the submitters: PubMed 12028435.

NM_000091.5(COL4A3):c.2542_2556del (p.Arg848_Pro852del)

Genes: COL4A3 (collagen type IV alpha 3 chain; plus strand), MFF-DT (MFF divergent transcript; minus strand). Cytogenetic location: 2q36.3.
Variant type: Deletion.
Coding change: c.2542_2556del on transcript NM_000091.5 (MANE Select); coding-DNA positions 2542 to 2556, 15 bases deleted (AGATCAGGATTTCCT).
Protein change: p.Arg848_Pro852del.
Molecular consequence: inframe deletion.
Genome position (GRCh38, 1-based): chr2:227,282,418-227,282,432, AGATCAGGATTTCCT deleted; deleting any 15 consecutive bases within chr2:227,282,417-227,282,432 gives the same sequence; the c. name uses the placement nearest the transcript's 3' end. VCF-style (leftmost placement, unchanged base first): chr2-227282416-ATAGATCAGGATTTCC-A. GRCh37 (hg19) VCF-style: chr2-228147132-ATAGATCAGGATTTCC-A.
Identifiers: ClinVar variation 4531840 (VCV004531840.1).